The following is an entry in ClinVar:

ClinVar aggregate classification (germline): Likely pathogenic (1 of 4 stars; one submission).

Conditions:
Fraser syndrome 1 (FRASRS1). Also called: CRYPTOPHTHALMOS WITH OTHER MALFORMATIONS. Identifiers: Orphanet 2052, MedGen C4551480, MONDO:0054737, OMIM 219000.

Submission:

Women's Health and Genetics/Laboratory Corporation of America, LabCorp
Classification: Likely pathogenic for Fraser syndrome 1. Last evaluated: 2022-10-08. Review status: criteria provided, single submitter. Criteria: LabCorp Variant Classification Summary - May 2015. Collection method: clinical testing. Allele origin: germline.
Comment: Variant summary: FREM2 c.3761T>A (p.Leu1254X) results in a premature termination codon, predicted to cause a truncation of the encoded protein or absence of the protein due to nonsense mediated decay, which are commonly known mechanisms for disease. Truncations downstream of this position have been classified as pathogenic within ClinVar (e.g. c.5162dup [p.Phe1722fs]; c.5954dup [p.Met1985fs]). The variant was absent in 251480 control chromosomes (gnomAD). To our knowledge, no occurrence of c.3761T>A in individuals affected with Cryptophthalmos Syndrome and no experimental evidence demonstrating its impact on protein function have been reported. No clinical diagnostic laboratories have submitted clinical-significance assessments for this variant to ClinVar after 2014. Based on the evidence outlined above, the variant was classified as likely pathogenic.

NM_207361.6(FREM2):c.3761T>A (p.Leu1254Ter)

Gene: FREM2 (FRAS1 related extracellular matrix 2; plus strand). Cytogenetic location: 13q13.3.
Variant type: single nucleotide variant.
Coding change: c.3761T>A on transcript NM_207361.6 (MANE Select); coding-DNA position 3761, T replaced by A.
Protein change: p.Leu1254Ter; replaces leucine 1254 with a stop codon.
Molecular consequence: nonsense.
Genome position (GRCh38, 1-based): chr13:38,691,105, T>A. VCF-style: chr13-38691105-T-A. GRCh37 (hg19) VCF-style: chr13-39265242-T-A.
Other names: short protein forms L1254*.
Identifiers: ClinVar variation 1723260 (VCV001723260.1), dbSNP rs2541358924, ClinGen allele CA387891670.